The following is an entry in ClinVar:

NM_000135.4(FANCA):c.1349A>T (p.Asp450Val)

Gene: FANCA (FA complementation group A; minus strand). Cytogenetic location: 16q24.3.
Variant type: single nucleotide variant.
Coding change: c.1349A>T on transcript NM_000135.4 (MANE Select); coding-DNA position 1349, A replaced by T.
Protein change: p.Asp450Val; replaces aspartic acid 450 with valine.
Molecular consequence: missense variant.
Genome position (GRCh38, 1-based): chr16:89,791,413, T>A on the plus strand (A>T on the coding strand, the complement: FANCA is on the minus strand). VCF-style: chr16-89791413-T-A. GRCh37 (hg19) VCF-style: chr16-89857821-T-A.
Other names: c.1349A>T, p.Asp450Val (NM_001286167.3); short protein forms D450V.
Identifiers: ClinVar variation 1364627 (VCV001364627.8), dbSNP rs1213289620, ClinGen allele CA397463649.

ClinVar aggregate classification (germline): Uncertain significance (1 of 4 stars; one submission).

Conditions:
Fanconi anemia (FA). Also called: Fanconi's anemia. Identifiers: Orphanet 84, MedGen C0015625, MeSH D005199, MONDO:0019391.

Submission:

Labcorp Genetics (formerly Invitae), Labcorp
Classification: Uncertain significance for Fanconi anemia. Last evaluated: 2021-03-13. Review status: criteria provided, single submitter. Criteria: Invitae Variant Classification Sherloc (09022015). Collection method: clinical testing. Allele origin: germline.
Comment: In summary, the available evidence is currently insufficient to determine the role of this variant in disease. Therefore, it has been classified as a Variant of Uncertain Significance. Algorithms developed to predict the effect of missense changes on protein structure and function are either unavailable or do not agree on the potential impact of this missense change (SIFT: "Deleterious"; PolyPhen-2: "Possibly Damaging"; Align-GVGD: "Class C0"). This variant has not been reported in the literature in individuals with FANCA-related conditions. This variant is not present in population databases (ExAC no frequency). This sequence change replaces aspartic acid with valine at codon 450 of the FANCA protein (p.Asp450Val). The aspartic acid residue is moderately conserved and there is a large physicochemical difference between aspartic acid and valine.